The following is an entry in ClinVar:

ClinVar aggregate classification (germline): Uncertain significance (1 of 4 stars; one submission).

Conditions:
Loeys-Dietz syndrome 4 (LDS4). Also called: ANEURYSM, AORTIC AND CEREBRAL, WITH ARTERIAL TORTUOSITY AND SKELETAL MANIFESTATIONS; TGFB2-Related Loeys-Dietz Syndrome. Identifiers: MedGen C3553762, MONDO:0013897, OMIM 614816.

Allele frequency attached by ClinVar (database versions not stated): gnomAD exomes 0.00001 and 0.00002; ExAC 0.00002.
gnomAD v4.1: 20 of 1,614,112 alleles (0.0012%); highest among the groups gnomAD compares: South Asian, 0.022%; no homozygotes.

Submission:

Labcorp Genetics (formerly Invitae), Labcorp
Classification: Uncertain significance for Loeys-Dietz syndrome 4. Last evaluated: 2021-08-14. Review status: criteria provided, single submitter. Criteria: Invitae Variant Classification Sherloc (09022015). Collection method: clinical testing. Allele origin: germline.
Comment: This sequence change replaces phenylalanine with leucine at codon 32 of the TGFB2 protein (p.Phe32Leu). The phenylalanine residue is highly conserved and there is a small physicochemical difference between phenylalanine and leucine. This variant is present in population databases (rs779872141, ExAC 0.02%). This variant has not been reported in the literature in individuals affected with TGFB2-related conditions. Advanced modeling of protein sequence and biophysical properties (such as structural, functional, and spatial information, amino acid conservation, physicochemical variation, residue mobility, and thermodynamic stability) performed at Invitae indicates that this missense variant is not expected to disrupt TGFB2 protein function. In summary, the available evidence is currently insufficient to determine the role of this variant in disease. Therefore, it has been classified as a Variant of Uncertain Significance.

NM_003238.6(TGFB2):c.94T>C (p.Phe32Leu)

Gene: TGFB2 (transforming growth factor beta 2; plus strand). Cytogenetic location: 1q41.
Variant type: single nucleotide variant.
Coding change: c.94T>C on transcript NM_003238.6 (MANE Select); coding-DNA position 94, T replaced by C.
Protein change: p.Phe32Leu; replaces phenylalanine 32 with leucine.
Molecular consequence: missense variant. On other transcripts: non-coding transcript variant (2).
Genome position (GRCh38, 1-based): chr1:218,346,795, T>C. VCF-style: chr1-218346795-T-C. GRCh37 (hg19) VCF-style: chr1-218520137-T-C.
Other names: c.94T>C, p.Phe32Leu (NM_001135599.4); short protein forms F32L.
Identifiers: ClinVar variation 1426380 (VCV001426380.5), dbSNP rs779872141, ClinGen allele CA1398370.
Genomic context (GRCh38, chr1:218,346,795, plus strand): 5'-CTGCATCTGGTCACGGTCGCGCTCAGCCTGTCTACCTGCAGCACACTCGATATGGACCAG[T>C]TCATGCGCAAGAGGATCGAGGCGATCCGCGGGCAGATCCTGAGCAAGCTGAAGCTCACCA-3'
Protein context (NP_003229.1, residues 22-42): STCSTLDMDQ[Phe32Leu]MRKRIEAIRG